The following is an entry in ClinVar:

ClinVar aggregate classification (germline): Uncertain significance (1 of 4 stars; one submission).

Conditions:
Hypertrophic cardiomyopathy. Also called: HYPERTROPHIC MYOCARDIOPATHY. Identifiers: Orphanet 217569, MedGen C0007194, MeSH D002312, MONDO:0005045, HP:0001639.

Allele frequency attached by ClinVar (database versions not stated): ExAC 0.00003.
gnomAD v4.1: 6 of 1,606,220 alleles (0.00037%); highest among the groups gnomAD compares: South Asian, 0.0044%; no homozygotes.

Submission:

Labcorp Genetics (formerly Invitae), Labcorp
Classification: Uncertain significance for Hypertrophic cardiomyopathy. Last evaluated: 2023-07-07. Review status: criteria provided, single submitter. Criteria: Invitae Variant Classification Sherloc (09022015). Collection method: clinical testing. Allele origin: germline.
Comment: In summary, the available evidence is currently insufficient to determine the role of this variant in disease. Therefore, it has been classified as a Variant of Uncertain Significance. An algorithm developed to predict the effect of missense changes on protein structure and function (PolyPhen-2) suggests that this variant is likely to be tolerated. This variant has not been reported in the literature in individuals affected with MYOM1-related conditions. This variant is present in population databases (rs762687220, gnomAD 0.01%). This sequence change replaces glycine, which is neutral and non-polar, with arginine, which is basic and polar, at codon 1680 of the MYOM1 protein (p.Gly1680Arg).

NM_003803.4(MYOM1):c.5038G>C (p.Gly1680Arg)

Gene: MYOM1 (myomesin 1; minus strand). Cytogenetic location: 18p11.31.
Variant type: single nucleotide variant.
Coding change: c.5038G>C on transcript NM_003803.4 (MANE Select); coding-DNA position 5038, G replaced by C.
Protein change: p.Gly1680Arg; replaces glycine 1680 with arginine.
Molecular consequence: missense variant.
Genome position (GRCh38, 1-based): chr18:3,067,282, C>G on the plus strand (G>C on the coding strand, the complement: MYOM1 is on the minus strand). VCF-style: chr18-3067282-C-G. GRCh37 (hg19) VCF-style: chr18-3067280-C-G.
Other names: c.4750G>C, p.Gly1584Arg (NM_019856.2); short protein forms G1584R, G1680R.
Identifiers: ClinVar variation 2763299 (VCV002763299.3), dbSNP rs762687220, ClinGen allele CA8873691.
Genomic context (GRCh38, chr18:3,067,282, plus strand): 5'-CCAAGTCACACAGGCCGGCTGGCTCTCCTCGCACCTCCGGTCACTTGGCCTTCTTGCCAC[C>G]TTTCAGGGACTCCAAGGCGGCCATCCTCGCCTCCTCCTCTGGGATGAACACGCTGACGGT-3'
Protein context (NP_003794.3, residues 1670-1685): ARMAALESLK[Gly1680Arg]GKKAK